The following is an entry in ClinVar:

ClinVar aggregate classification (germline): Uncertain significance. Review status: criteria provided, multiple submitters, no conflicts (2 of 4 stars). 2 submissions from 2 submitters: Uncertain significance (2). Last evaluated 2024-06-04.

Conditions:
Progressive external ophthalmoplegia with mitochondrial DNA deletions, autosomal dominant 3. Also called: PROGRESSIVE EXTERNAL OPHTHALMOPLEGIA, AUTOSOMAL DOMINANT 3. Identifiers: MedGen C1836439, MONDO:0012241, OMIM 609286.
Perrault syndrome 5 (PRLTS5). Identifiers: Orphanet 2855, MedGen C4015307, MONDO:0014504, OMIM 616138.
Infantile onset spinocerebellar ataxia (MTDPS7). Also called: SPINOCEREBELLAR ATAXIA, INFANTILE, WITH SENSORY NEUROPATHY; OHAHA SYNDROME; Mitochondrial DNA depletion syndrome 7 (hepatocerebral type); OPHTHALMOPLEGIA, HYPOTONIA, ATAXIA, HYPOACUSIS, AND ATHETOSIS. Identifiers: Orphanet 1186, MedGen C1849096, MONDO:0010060, OMIM 271245.

Allele frequency attached by ClinVar (database versions not stated): TOPMed below 0.00001; ExAC 0.00001; gnomAD 0.00001.
gnomAD v4.1: 17 of 1,614,102 alleles (0.0011%); highest among the groups gnomAD compares: Non-Finnish European, 0.0014%; no homozygotes.

Submissions (2):

Labcorp Genetics (formerly Invitae), Labcorp
Classification: Uncertain significance. Last evaluated: 2024-06-04. Review status: criteria provided, single submitter. Criteria: Invitae Variant Classification Sherloc (09022015). Collection method: clinical testing. Allele origin: germline.
Comment: This sequence change replaces serine, which is neutral and polar, with cysteine, which is neutral and slightly polar, at codon 606 of the TWNK protein (p.Ser606Cys). This variant is present in population databases (rs551656499, gnomAD 0.003%). This variant has not been reported in the literature in individuals affected with TWNK-related conditions. Advanced modeling of protein sequence and biophysical properties (such as structural, functional, and spatial information, amino acid conservation, physicochemical variation, residue mobility, and thermodynamic stability) has been performed at Invitae for this missense variant, however the output from this modeling did not meet the statistical confidence thresholds required to predict the impact of this variant on TWNK protein function. In summary, the available evidence is currently insufficient to determine the role of this variant in disease. Therefore, it has been classified as a Variant of Uncertain Significance.

Fulgent Genetics
Classification: Uncertain significance for Infantile onset spinocerebellar ataxia; Progressive external ophthalmoplegia with mitochondrial DNA deletions, autosomal dominant 3; Perrault syndrome 5. Last evaluated: 2024-01-19. Review status: criteria provided, single submitter. Criteria: ACMG Guidelines, 2015. Collection method: clinical testing. Allele origin: germline.

NM_021830.5(TWNK):c.1817C>G (p.Ser606Cys)

Gene: TWNK (twinkle mtDNA helicase; plus strand). Cytogenetic location: 10q24.31.
Variant type: single nucleotide variant.
Coding change: c.1817C>G on transcript NM_021830.5 (MANE Select); coding-DNA position 1817, C replaced by G.
Protein change: p.Ser606Cys; replaces serine 606 with cysteine.
Molecular consequence: missense variant. On other transcripts: 3 prime UTR variant (2), non-coding transcript variant (5).
Genome position (GRCh38, 1-based): chr10:100,993,272, C>G. VCF-style: chr10-100993272-C-G. GRCh37 (hg19) VCF-style: chr10-102753029-C-G.
Other names: c.*112C>G (NM_001163812.2, NM_001163814.2); c.455C>G, p.Ser152Cys (NM_001163813.2, NM_001368275.1); short protein forms S152C, S606C.
Identifiers: ClinVar variation 2960437 (VCV002960437.4), dbSNP rs551656499, ClinGen allele CA5653349.